The following is an entry in ClinVar:

ClinVar aggregate classification (germline): Likely benign. Review status: criteria provided, multiple submitters, no conflicts (2 of 4 stars). 2 submissions from 2 submitters: Likely benign (2). Last evaluated 2026-07-01.

Allele frequency attached by ClinVar (database versions not stated): TOPMed 0.00002; ESP Exome Variant Server 0.00008; 1000 Genomes Project 30x 0.00016; 1000 Genomes Project 0.00020; gnomAD exomes 0.00022 and 0.00050; ExAC 0.00043; gnomAD 0.00050 and 0.00053.
gnomAD v4.1: 393 of 1,613,530 alleles (0.024%); highest among the groups gnomAD compares: Non-Finnish European, 0.0034%; 2 homozygotes.

Submissions (2):

CeGaT Center for Human Genetics Tuebingen
Classification: Likely benign. Last evaluated: 2026-07-01. Review status: criteria provided, single submitter. Criteria: CeGaT Center For Human Genetics Tuebingen Variant Classification Criteria Version 2. Collection method: clinical testing. Allele origin: germline. Affected: yes. Observed: 1 variant allele.
Comment: GORAB: BP4

Labcorp Genetics (formerly Invitae), Labcorp
Classification: Likely benign. Last evaluated: 2026-01-12. Review status: criteria provided, single submitter. Criteria: Invitae Variant Classification Sherloc (09022015). Collection method: clinical testing. Allele origin: germline.

NM_152281.3(GORAB):c.665A>G (p.Lys222Arg)

Gene: GORAB (golgin, RAB6 interacting; plus strand). Cytogenetic location: 1q24.2.
Variant type: single nucleotide variant.
Coding change: c.665A>G on transcript NM_152281.3 (MANE Select); coding-DNA position 665, A replaced by G.
Protein change: p.Lys222Arg; replaces lysine 222 with arginine.
Molecular consequence: missense variant. On other transcripts: non-coding transcript variant (1).
Genome position (GRCh38, 1-based): chr1:170,552,017, A>G. VCF-style: chr1-170552017-A-G. GRCh37 (hg19) VCF-style: chr1-170521158-A-G.
Other names: c.200A>G, p.Lys67Arg (NM_001320252.2); short protein forms K222R, K67R.
Identifiers: ClinVar variation 1133008 (VCV001133008.8), dbSNP rs201776076, ClinGen allele CA1239218.